The following is an entry in ClinVar:

ClinVar aggregate classification (germline): Uncertain significance (1 of 4 stars; one submission).

Conditions:
Early-infantile DEE. Also called: Early infantile epileptic encephalopathy; Ohtahara syndrome; Early infantile epileptic encephalopathy with suppression bursts. Identifiers: Orphanet 1934, MedGen C0393706, MONDO:0800491.

Allele frequency attached by ClinVar (database versions not stated): ExAC 0.00001; gnomAD 0.00001; gnomAD exomes 0.00001 and 0.00002; TOPMed 0.00002.
gnomAD v4.1: 11 of 1,614,034 alleles (0.00068%); highest among the groups gnomAD compares: East Asian, 0.02%; no homozygotes.

Submission:

Labcorp Genetics (formerly Invitae), Labcorp
Classification: Uncertain significance for Early-infantile DEE. Last evaluated: 2025-08-03. Review status: criteria provided, single submitter. Criteria: Invitae Variant Classification Sherloc (09022015). Collection method: clinical testing. Allele origin: germline.
Comment: This sequence change replaces asparagine, which is neutral and polar, with serine, which is neutral and polar, at codon 1034 of the SPTAN1 protein (p.Asn1034Ser). This variant is present in population databases (rs773333330, gnomAD 0.04%). This variant has not been reported in the literature in individuals affected with SPTAN1-related conditions. ClinVar contains an entry for this variant (Variation ID: 1447796). Invitae Evidence Modeling of protein sequence and biophysical properties (such as structural, functional, and spatial information, amino acid conservation, physicochemical variation, residue mobility, and thermodynamic stability) has been performed for this missense variant. However, the output from this modeling did not meet the statistical confidence thresholds required to predict the impact of this variant on SPTAN1 protein function. In summary, the available evidence is currently insufficient to determine the role of this variant in disease. Therefore, it has been classified as a Variant of Uncertain Significance.

NM_001130438.3(SPTAN1):c.3101A>G (p.Asn1034Ser)

Gene: SPTAN1 (spectrin alpha, non-erythrocytic 1; plus strand). Cytogenetic location: 9q34.11.
Variant type: single nucleotide variant.
Coding change: c.3101A>G on transcript NM_001130438.3 (MANE Select); coding-DNA position 3101, A replaced by G.
Protein change: p.Asn1034Ser; replaces asparagine 1034 with serine.
Molecular consequence: missense variant.
Genome position (GRCh38, 1-based): chr9:128,591,571, A>G. VCF-style: chr9-128591571-A-G. GRCh37 (hg19) VCF-style: chr9-131353850-A-G.
Other names: c.3101A>G, p.Asn1034Ser (NM_001195532.2, NM_001363759.2, NM_001363765.2 and 1 more transcripts); short protein forms N1034S.
Identifiers: ClinVar variation 1447796 (VCV001447796.8), dbSNP rs773333330, ClinGen allele CA318692.
Genomic context (GRCh38, chr9:128,591,571, plus strand): 5'-GTTTTGTGCCGGCTGCGTACGTGAAGAAATTGGACCCCGCCCAGTCAGCCTCCCGGGAGA[A>G]TCTCCTGGAGGAGCAAGGCAGCATAGCACTGCGGCAGGAGCAGATTGACAATCAGTAAGG-3'
Protein context (NP_001123910.1, residues 1024-1044): LDPAQSASRE[Asn1034Ser]LLEEQGSIAL